The following is an entry in ClinVar:

ClinVar aggregate classification (germline): Uncertain significance. Review status: criteria provided, multiple submitters, no conflicts (2 of 4 stars). 4 submissions from 4 submitters: Uncertain significance (4). Last evaluated 2025-12-01.

Conditions:
Hereditary cancer-predisposing syndrome. Also called: Tumor predisposition; Hereditary Cancer Syndrome; Neoplastic Syndromes, Hereditary; Hereditary neoplastic syndrome. Identifiers: Orphanet 140162, MedGen C0027672, MeSH D009386, MONDO:0015356.
Classic or attenuated familial adenomatous polyposis. Identifiers: MedGen CN372698, MONDO:0021057.
Familial adenomatous polyposis 1 (FAP1). Also called: FAMILIAL ADENOMATOUS POLYPOSIS 1, ATTENUATED; POLYPOSIS, ADENOMATOUS INTESTINAL. Identifiers: MedGen C2713442, MONDO:0021056, OMIM 175100. Disease mechanism: loss of function.

gnomAD v4.1: 1 of 1,614,176 alleles (0.000062%); no homozygotes.

Submissions (4):

Labcorp Genetics (formerly Invitae), Labcorp
Classification: Uncertain significance for Familial adenomatous polyposis 1. Last evaluated: 2025-12-01. Review status: criteria provided, single submitter. Criteria: Invitae Variant Classification Sherloc (09022015). Collection method: clinical testing. Allele origin: germline.
Comment: This sequence change replaces arginine, which is basic and polar, with lysine, which is basic and polar, at codon 854 of the APC protein (p.Arg854Lys). This variant is not present in population databases (gnomAD no frequency). This variant has not been reported in the literature in individuals affected with APC-related conditions. ClinVar contains an entry for this variant (Variation ID: 1793125). Invitae Evidence Modeling of protein sequence and biophysical properties (such as structural, functional, and spatial information, amino acid conservation, physicochemical variation, residue mobility, and thermodynamic stability) indicates that this missense variant is not expected to disrupt APC protein function with a negative predictive value of 95%. In summary, the available evidence is currently insufficient to determine the role of this variant in disease. Therefore, it has been classified as a Variant of Uncertain Significance.

Color Diagnostics, LLC DBA Color Health
Classification: Uncertain significance for Hereditary cancer-predisposing syndrome. Last evaluated: 2025-04-28. Review status: criteria provided, single submitter. Criteria: ACMG Guidelines, 2015. Collection method: clinical testing. Allele origin: germline.
Comment: This missense variant replaces arginine with lysine at codon 854 of the APC protein. Computational prediction suggests that this variant may not impact protein structure and function. To our knowledge, functional studies have not been reported for this variant. This variant has not been reported in individuals affected with APC-related disorders in the literature. This variant has not been identified in the general population by the Genome Aggregation Database (gnomAD). The available evidence is insufficient to determine the role of this variant in disease conclusively. Therefore, this variant is classified as a Variant of Uncertain Significance.

All of Us Research Program, National Institutes of Health
Classification: Uncertain significance for Classic or attenuated familial adenomatous polyposis. Last evaluated: 2023-03-28. Review status: criteria provided, single submitter. Criteria: ACMG Guidelines, 2015. Collection method: clinical testing. Allele origin: germline. Inheritance: Autosomal dominant inheritance. Observed: 1 variant allele, 1 heterozygote.
Comment: This study involves interpretation of variants in research participants for the purpose of population health screening. Participant phenotype was not available at the time of variant classification. Additional details can be found in publication PMID: 35346344, PMCID: PMC8962531

Ambry Genetics
Classification: Uncertain significance for Hereditary cancer-predisposing syndrome. Last evaluated: 2022-10-31. Review status: criteria provided, single submitter. Criteria: Ambry Variant Classification Scheme 2023. Collection method: clinical testing. Allele origin: germline.
Comment: The p.R854K variant (also known as c.2561G>A), located in coding exon 15 of the APC gene, results from a G to A substitution at nucleotide position 2561. The arginine at codon 854 is replaced by lysine, an amino acid with highly similar properties. This amino acid position is well conserved in available vertebrate species. In addition, in silico predictors for this gene do not accurately predict pathogenicity. Since supporting evidence is limited at this time, the clinical significance of this alteration remains unclear.

NM_000038.6(APC):c.2561G>A (p.Arg854Lys)

Gene: APC (APC regulator of Wnt signaling pathway; plus strand). Cytogenetic location: 5q22.2.
Variant type: single nucleotide variant.
Coding change: c.2561G>A on transcript NM_000038.6 (MANE Select); coding-DNA position 2561, G replaced by A.
Protein change: p.Arg854Lys; replaces arginine 854 with lysine.
Molecular consequence: missense variant.
Genome position (GRCh38, 1-based): chr5:112,838,155, G>A. VCF-style: chr5-112838155-G-A. GRCh37 (hg19) VCF-style: chr5-112173852-G-A.
Other names: c.2561G>A, p.Arg854Lys (NM_001127510.3, NM_001354895.2, NM_001407450.1); c.2507G>A, p.Arg836Lys (NM_001127511.3); c.2615G>A, p.Arg872Lys (NM_001354896.2, NM_001407447.1, NM_001407448.1 and 1 more transcripts); c.2591G>A, p.Arg864Lys (NM_001354897.2); c.2486G>A, p.Arg829Lys (NM_001354898.2); c.2477G>A, p.Arg826Lys (NM_001354899.2); c.2438G>A, p.Arg813Lys (NM_001354900.2); c.2384G>A, p.Arg795Lys (NM_001354901.2, NM_001407453.1); and 11 more; short protein forms R725K, R826K, R847K, R771K, R813K, R844K, R882K, R571K.
Identifiers: ClinVar variation 1793125 (VCV001793125.8), dbSNP rs1580623995, ClinGen allele CA16026944.